The following is an entry in ClinVar:

NM_001277115.2(DNAH11):c.6379C>T (p.Pro2127Ser)

Gene: DNAH11 (dynein axonemal heavy chain 11; plus strand). Cytogenetic location: 7p15.3.
Variant type: single nucleotide variant.
Coding change: c.6379C>T on transcript NM_001277115.2 (MANE Select); coding-DNA position 6379, C replaced by T.
Protein change: p.Pro2127Ser; replaces proline 2127 with serine.
Molecular consequence: missense variant.
Genome position (GRCh38, 1-based): chr7:21,704,539, C>T. VCF-style: chr7-21704539-C-T. GRCh37 (hg19) VCF-style: chr7-21744157-C-T.
Other names: short protein forms P2127S.
Identifiers: ClinVar variation 1416502 (VCV001416502.6), dbSNP rs1386882237, ClinGen allele CA366937173.

ClinVar aggregate classification (germline): Uncertain significance (1 of 4 stars; one submission).

Conditions:
Primary ciliary dyskinesia. Also called: Ciliary dyskinesia. Identifiers: Orphanet 244, MedGen C0008780, MONDO:0016575, HP:0012265.

Allele frequency attached by ClinVar (database versions not stated): gnomAD exomes below 0.00001.
gnomAD v4.1: 1 of 1,613,722 alleles (0.000062%); highest among the groups gnomAD compares: Admixed American, 0.0017%; no homozygotes.

Submission:

Labcorp Genetics (formerly Invitae), Labcorp
Classification: Uncertain significance for Primary ciliary dyskinesia. Last evaluated: 2021-10-15. Review status: criteria provided, single submitter. Criteria: Invitae Variant Classification Sherloc (09022015). Collection method: clinical testing. Allele origin: germline.
Comment: This variant has not been reported in the literature in individuals affected with DNAH11-related conditions. This sequence change replaces proline with serine at codon 2127 of the DNAH11 protein (p.Pro2127Ser). The proline residue is highly conserved and there is a moderate physicochemical difference between proline and serine. This variant is not present in population databases (ExAC no frequency). Advanced modeling of protein sequence and biophysical properties (such as structural, functional, and spatial information, amino acid conservation, physicochemical variation, residue mobility, and thermodynamic stability) performed at Invitae indicates that this missense variant is not expected to disrupt DNAH11 protein function. In summary, the available evidence is currently insufficient to determine the role of this variant in disease. Therefore, it has been classified as a Variant of Uncertain Significance.